The following is an entry in ClinVar:

ClinVar aggregate classification (germline): Pathogenic (1 of 4 stars; one submission).

Conditions:
Rubinstein-Taybi syndrome (RSTS). Identifiers: Orphanet 783, MedGen C0035934, MONDO:0019188.

Submission:

Labcorp Genetics (formerly Invitae), Labcorp
Classification: Pathogenic for Rubinstein-Taybi syndrome. Last evaluated: 2022-04-12. Review status: criteria provided, single submitter. Criteria: Invitae Variant Classification Sherloc (09022015). Collection method: clinical testing. Allele origin: germline.
Comment: This variant has not been reported in the literature in individuals affected with CREBBP-related conditions. For these reasons, this variant has been classified as Pathogenic. This variant is not present in population databases (gnomAD no frequency). This sequence change creates a premature translational stop signal (p.Tyr1167Alafs*3) in the CREBBP gene. It is expected to result in an absent or disrupted protein product. Loss-of-function variants in CREBBP are known to be pathogenic (PMID: 17052327, 18792986).

Literature cited by the submitters: PubMed 17052327; PubMed 18792986.

NM_004380.3(CREBBP):c.3494_3497dup (p.Tyr1167fs)

Gene: CREBBP (CREB binding lysine acetyltransferase; minus strand). Cytogenetic location: 16p13.3.
Variant type: Duplication.
Coding change: c.3494_3497dup on transcript NM_004380.3 (MANE Select); coding-DNA positions 3494 to 3497, 4 bases duplicated (GGCT; older notation c.3494_3497dupGGCT).
Protein change: p.Tyr1167fs; shifts the reading frame from tyrosine 1167.
Molecular consequence: frameshift variant.
Genome position (GRCh38, 1-based): chr16:3,757,921-3,757,924, AGCC duplicated on the plus strand (GGCT on the coding strand, the reverse complement: CREBBP is on the minus strand); duplicating any 4 consecutive bases within chr16:3,757,921-3,757,926 gives the same sequence; the c. name uses the placement nearest the transcript's 3' end. VCF-style (leftmost placement, unchanged base first): chr16-3757920-G-GAGCC. GRCh37 (hg19) VCF-style: chr16-3807921-G-GAGCC.
Other names: c.3380_3383dup, p.Tyr1129fs (NM_001079846.1); short protein forms Y1167fs, Y1129fs.
Identifiers: ClinVar variation 2125736 (VCV002125736.4), dbSNP rs2548391838, ClinGen allele CA2580091116.